The following is an entry in ClinVar:

NM_000218.3(KCNQ1):c.917G>A (p.Gly306Glu)

Gene: KCNQ1 (potassium voltage-gated channel subfamily Q member 1; plus strand). Cytogenetic location: 11p15.5.
Variant type: single nucleotide variant.
Coding change: c.917G>A on transcript NM_000218.3 (MANE Select); coding-DNA position 917, G replaced by A.
Protein change: p.Gly306Glu; replaces glycine 306 with glutamic acid.
Molecular consequence: missense variant.
Genome position (GRCh38, 1-based): chr11:2,572,982, G>A. VCF-style: chr11-2572982-G-A. GRCh37 (hg19) VCF-style: chr11-2594212-G-A.
Other names: c.917G>A, p.Gly306Glu (NM_001406836.1); c.647G>A, p.Gly216Glu (NM_001406837.1); c.536G>A, p.Gly179Glu (NM_181798.2); short protein forms G179E, G306E, G216E.
Identifiers: ClinVar variation 998695 (VCV000998695.10), dbSNP rs199472742, ClinGen allele CA379131783.

ClinVar aggregate classification (germline): Uncertain significance (1 of 4 stars; one submission).

Conditions:
Long QT syndrome (LQTS). Identifiers: MedGen C0023976, MeSH D008133, MONDO:0002442. Disease mechanism: loss of function. Inheritance: Various modes of inheritance.

Submission:

Labcorp Genetics (formerly Invitae), Labcorp
Classification: Uncertain significance for Long QT syndrome. Last evaluated: 2020-06-30. Review status: criteria provided, single submitter. Criteria: Invitae Variant Classification Sherloc (09022015). Collection method: clinical testing. Allele origin: germline.
Comment: In summary, the available evidence is currently insufficient to determine the role of this variant in disease. Therefore, it has been classified as a Variant of Uncertain Significance. Algorithms developed to predict the effect of missense changes on protein structure and function (SIFT, PolyPhen-2, Align-GVGD) all suggest that this variant is likely to be disruptive, but these predictions have not been confirmed by published functional studies and their clinical significance is uncertain. This variant has not been reported in the literature in individuals with KCNQ1-related conditions. This variant is not present in population databases (ExAC no frequency). This sequence change replaces glycine with glutamic acid at codon 306 of the KCNQ1 protein (p.Gly306Glu). The glycine residue is highly conserved and there is a moderate physicochemical difference between glycine and glutamic acid.